The following is an entry in ClinVar:

NM_000532.5(PCCB):c.183+5G>A

Gene: PCCB (propionyl-CoA carboxylase subunit beta; plus strand). Cytogenetic location: 3q22.3.
Variant type: single nucleotide variant.
Coding change: c.183+5G>A on transcript NM_000532.5 (MANE Select); 5 bases into the intron after coding-DNA position 183, G replaced by A.
Molecular consequence: intron variant.
Genome position (GRCh38, 1-based): chr3:136,250,563, G>A. VCF-style: chr3-136250563-G-A. GRCh37 (hg19) VCF-style: chr3-135969405-G-A.
Other names: c.183+5G>A (NM_001178014.2).
Identifiers: ClinVar variation 217896 (VCV000217896.17), dbSNP rs879253813, ClinGen allele CA10575808.

ClinVar aggregate classification (germline): Pathogenic/Likely pathogenic. Review status: criteria provided, multiple submitters, no conflicts (2 of 4 stars). 4 submissions from 4 submitters: Pathogenic (2); Likely pathogenic (2). Last evaluated 2025-11-25.

Conditions:
Propionic acidemia (PROP). Also called: GLYCINEMIA, KETOTIC; HYPERGLYCINEMIA WITH KETOACIDOSIS AND LEUKOPENIA; KETOTIC HYPERGLYCINEMIA. Identifiers: Orphanet 35, MedGen C0268579, MONDO:0011628, OMIM 606054, HP:0003571.

Allele frequency attached by ClinVar (database versions not stated): gnomAD exomes below 0.00001; TOPMed below 0.00001.
gnomAD v4.1: 6 of 1,609,868 alleles (0.00037%); highest among the groups gnomAD compares: South Asian, 0.0066%; no homozygotes.

Submissions (4):

Natera, Inc.
Classification: Likely pathogenic for Propionic acidemia. Last evaluated: 2025-11-25. Review status: criteria provided, single submitter. Criteria: Natera Variant Classification Schema (03/2026). Collection method: clinical testing. Allele origin: germline.
Comment: The c.183+5G>A variant in PCCB is an intronic variant located outside the canonical splice sites. This variant is rare in the general population with a frequency below the threshold expected for the associated phenotype(s). This variant has been observed in one or more individuals affected with the associated recessive disease, as either homozygous or compound heterozygous with a second variant (PMID: 27227689). Computational prediction algorithms indicate this variant is likely to affect gene or protein function. Given the available evidence, this variant is classified as Likely Pathogenic.

Labcorp Genetics (formerly Invitae), Labcorp
Classification: Pathogenic for Propionic acidemia. Last evaluated: 2025-02-06. Review status: criteria provided, single submitter. Criteria: Invitae Variant Classification Sherloc (09022015). Collection method: clinical testing. Allele origin: germline.
Comment: This sequence change falls in intron 1 of the PCCB gene. It does not directly change the encoded amino acid sequence of the PCCB protein. It affects a nucleotide within the consensus splice site. This variant is present in population databases (no rsID available, gnomAD 0.003%). This variant has been observed in individual(s) with propionic acidemia (PMID: 27227689). ClinVar contains an entry for this variant (Variation ID: 217896). Variants that disrupt the consensus splice site are a relatively common cause of aberrant splicing (PMID: 17576681, 9536098). Algorithms developed to predict the effect of sequence changes on RNA splicing suggest that this variant may disrupt the consensus splice site. For these reasons, this variant has been classified as Pathogenic.

First Genomix Gene Laboratory, Genetic Diagnostics Department
Classification: Likely pathogenic for Propionic acidemia. Last evaluated: 2025-01-10. Review status: criteria provided, single submitter. Criteria: ACMG Guidelines, 2015. Collection method: clinical testing. Allele origin: germline. Inheritance: Autosomal recessive inheritance. Affected: no. Observed: 1 variant allele.

Institute of Medical Genetics and Genomics, Sir Ganga Ram Hospital
Classification: Pathogenic for Propionic Acidemia. Review status: criteria provided, single submitter. Criteria: Gupta et al. (Genet Test Mol Biomarkers 2016). Collection method: research. Allele origin: germline. Affected: yes. Observed: 3 variant alleles. Study: ORGANIC ACIDURIAS.
Comment: Splice site mutation

Literature cited by the submitters: PubMed 27227689 (cited by Natera, Inc. and Labcorp Genetics (formerly Invitae), Labcorp); PubMed 17576681 (cited by Labcorp Genetics (formerly Invitae), Labcorp); PubMed 9536098 (cited by Labcorp Genetics (formerly Invitae), Labcorp).